The following is an entry in ClinVar:

NM_001375654.1(RP1):c.1459T>C (p.Tyr487His)

Gene: RP1 (RP1 axonemal microtubule associated; plus strand). Cytogenetic location: 8q12.1.
Variant type: single nucleotide variant.
Coding change: c.1459T>C on transcript NM_001375654.1; coding-DNA position 1459, T replaced by C.
Protein change: p.Tyr487His; replaces tyrosine 487 with histidine.
Molecular consequence: missense variant.
Genome position (GRCh38, 1-based): chr8:54,678,517, T>C. VCF-style: chr8-54678517-T-C. GRCh37 (hg19) VCF-style: chr8-55591077-T-C.
Other names: short protein forms Y487H.
Identifiers: ClinVar variation 3024720 (VCV003024720.20), dbSNP rs116932954, ClinGen allele CA4752300.

ClinVar aggregate classification (germline): Benign (1 of 4 stars; one submission).

Allele frequency attached by ClinVar (database versions not stated): 1000 Genomes Project 30x 0.00468; 1000 Genomes Project 0.00479; ExAC 0.00203.
gnomAD v4.1: 16,975 of 1,534,102 alleles (1.1%); highest among the groups gnomAD compares: Non-Finnish European, 1.4%; 123 homozygotes.

Submission:

CeGaT Center for Human Genetics Tuebingen
Classification: Benign. Last evaluated: 2025-06-01. Review status: criteria provided, single submitter. Criteria: CeGaT Center For Human Genetics Tuebingen Variant Classification Criteria Version 2. Collection method: clinical testing. Allele origin: germline. Affected: yes. Observed: 3 variant alleles.
Comment: RP1: BP4, BS1, BS2